The following is an entry in ClinVar:

NM_015909.4(NBAS):c.513+3A>T

Gene: NBAS (NBAS subunit of NRZ tethering complex; minus strand). Cytogenetic location: 2p24.3.
Variant type: single nucleotide variant.
Coding change: c.513+3A>T on transcript NM_015909.4 (MANE Select); 3 bases into the intron after coding-DNA position 513, A replaced by T.
Molecular consequence: intron variant.
Genome position (GRCh38, 1-based): chr2:15,539,220, T>A on the plus strand (A>T on the coding strand, the complement: NBAS is on the minus strand). VCF-style: chr2-15539220-T-A. GRCh37 (hg19) VCF-style: chr2-15679344-T-A.
Identifiers: ClinVar variation 1305740 (VCV001305740.4), dbSNP rs1337897909, ClinGen allele CA531026415.

ClinVar aggregate classification (germline): Uncertain significance. Review status: criteria provided, multiple submitters, no conflicts (2 of 4 stars). 2 submissions from 2 submitters: Uncertain significance (2). Last evaluated 2022-08-21.

Allele frequency attached by ClinVar (database versions not stated): gnomAD exomes below 0.00001; gnomAD 0.00003 and 0.00004.
gnomAD v4.1: 35 of 1,614,010 alleles (0.0022%); highest among the groups gnomAD compares: African/African-American, 0.004%; no homozygotes.

Submissions (2):

Labcorp Genetics (formerly Invitae), Labcorp
Classification: Uncertain significance. Last evaluated: 2022-08-21. Review status: criteria provided, single submitter. Criteria: Invitae Variant Classification Sherloc (09022015). Collection method: clinical testing. Allele origin: germline.
Comment: This sequence change falls in intron 7 of the NBAS gene. It does not directly change the encoded amino acid sequence of the NBAS protein. It affects a nucleotide within the consensus splice site. This variant is present in population databases (no rsID available, gnomAD 0.004%). This variant has not been reported in the literature in individuals affected with NBAS-related conditions. ClinVar contains an entry for this variant (Variation ID: 1305740). Variants that disrupt the consensus splice site are a relatively common cause of aberrant splicing (PMID: 17576681, 9536098). Algorithms developed to predict the effect of sequence changes on RNA splicing suggest that this variant is not likely to affect RNA splicing. In summary, the available evidence is currently insufficient to determine the role of this variant in disease. Therefore, it has been classified as a Variant of Uncertain Significance.

GeneDx
Classification: Uncertain significance. Last evaluated: 2019-05-17. Review status: criteria provided, single submitter. Criteria: GeneDx Variant Classification Process June 2021. Collection method: clinical testing. Allele origin: germline. Affected: yes.
Comment: In silico analysis, which includes splice predictors and evolutionary conservation, supports a deleterious effect; Has not been previously published as pathogenic or benign to our knowledge

Literature cited by the submitters: PubMed 17576681 (cited by Labcorp Genetics (formerly Invitae), Labcorp); PubMed 9536098 (cited by Labcorp Genetics (formerly Invitae), Labcorp).